The following is an entry in ClinVar:

ClinVar aggregate classification (germline): Benign. Review status: criteria provided, single submitter (1 of 4 stars). 2 submissions from 2 submitters: Benign (1). 1 of the submissions does not count toward it. Last evaluated 2025-03-06.

Conditions:
PLXNA2-related disorder. Also called: PLXNA2-related condition.

Allele frequency attached by ClinVar (database versions not stated): gnomAD 0.00021; gnomAD exomes 0.00016; TOPMed 0.00037; ESP Exome Variant Server 0.00008; ExAC 0.00043.
gnomAD v4.1: 283 of 1,614,062 alleles (0.018%); highest among the groups gnomAD compares: East Asian, 0.34%; no homozygotes.

Submissions (2):

Labcorp Genetics (formerly Invitae), Labcorp
Classification: Benign. Last evaluated: 2025-03-06. Review status: criteria provided, single submitter. Criteria: Invitae Variant Classification Sherloc (09022015). Collection method: clinical testing. Allele origin: germline.

PreventionGenetics, part of Exact Sciences
Classification: Likely benign for PLXNA2-related condition. Last evaluated: 2021-10-18. Review status: no assertion criteria provided. Collection method: clinical testing. Allele origin: germline. Not counted in ClinVar's aggregate classification.
Comment: This variant is classified as likely benign based on ACMG/AMP sequence variant interpretation guidelines (Richards et al. 2015 PMID: 25741868, with internal and published modifications).

NM_025179.4(PLXNA2):c.3732C>T (p.Ala1244=)

Gene: PLXNA2 (plexin A2; minus strand). Cytogenetic location: 1q32.2.
Variant type: single nucleotide variant.
Coding change: c.3732C>T on transcript NM_025179.4 (MANE Select); coding-DNA position 3732, C replaced by T.
Protein change: p.Ala1244=; no amino-acid change (alanine 1244 retained).
Molecular consequence: synonymous variant.
Genome position (GRCh38, 1-based): chr1:208,044,650, G>A on the plus strand (C>T on the coding strand, the complement: PLXNA2 is on the minus strand). VCF-style: chr1-208044650-G-A. GRCh37 (hg19) VCF-style: chr1-208217995-G-A.
Other names: c.3732C>T (NM_025179.3).
Identifiers: ClinVar variation 2753025 (VCV002753025.5), dbSNP rs372693240, ClinGen allele CA1373084.